The following is an entry in ClinVar:

ClinVar aggregate classification (germline): Benign/Likely benign. Review status: criteria provided, multiple submitters, no conflicts (2 of 4 stars). 6 submissions from 6 submitters: Benign (3); Likely benign (2). 1 of the submissions does not count toward it. Last evaluated 2026-02-04.

Conditions:
Atrial septal defect 5 (ASD5). Identifiers: Orphanet 1478, MedGen C2748552, MONDO:0013011, OMIM 612794.
Hypertrophic cardiomyopathy 11. Also called: ACTC1-Related Familial Hypertrophic Cardiomyopathy. Identifiers: MedGen C2677506, MONDO:0012799, OMIM 612098.
Dilated cardiomyopathy 1R (CMD1R). Identifiers: Orphanet 154, Orphanet 54260, MedGen C3150681, MONDO:0013261, OMIM 613424.
Hypertrophic cardiomyopathy 2. Also called: TNNT2-Related Familial Hypertrophic Cardiomyopathy. Identifiers: MedGen C1861864, MONDO:0007266, OMIM 115195.
Cardiovascular phenotype. Identifiers: MedGen CN230736.

Submissions (6):

Labcorp Genetics (formerly Invitae), Labcorp
Classification: Likely benign for Dilated cardiomyopathy 1R; Hypertrophic cardiomyopathy 11; Atrial septal defect 5. Last evaluated: 2026-02-04. Review status: criteria provided, single submitter. Criteria: Invitae Variant Classification Sherloc (09022015). Collection method: clinical testing. Allele origin: germline.

Blueprint Genetics
Classification: Benign. Last evaluated: 2024-11-27. Review status: criteria provided, single submitter. Criteria: ACMG Guidelines, 2015. Collection method: clinical testing. Allele origin: germline.

Women's Health and Genetics/Laboratory Corporation of America, LabCorp
Classification: Benign. Last evaluated: 2019-08-19. Review status: criteria provided, single submitter. Criteria: LabCorp Variant Classification Summary - May 2015. Collection method: clinical testing. Allele origin: germline.
Comment: Variant summary: ACTC1 c.809-30_809-13del18 alters a nucleotide located close to a canonical splice site and therefore could affect mRNA splicing, leading to a significantly altered protein sequence. 5/5 computational tools predict no significant impact on normal splicing. However, these predictions have yet to be confirmed by functional studies. The variant allele was found at a frequency of 0.13 in 24922 control chromosomes in the gnomAD database (genome dataset), including 192 homozygotes. The observed variant frequency is approximately 5000 fold of the estimated maximal expected allele frequency for a pathogenic variant in ACTC1 causing Cardiomyopathy phenotype (2.5e-05), strongly suggesting that the variant is benign. To our knowledge, no occurrence of c.809-30_809-13del18 in individuals affected with Cardiomyopathy and no experimental evidence demonstrating its impact on protein function have been reported. No clinical diagnostic laboratories have submitted clinical-significance assessments for this variant to ClinVar after 2014. Based on the evidence outlined above, the variant was classified as benign.

GeneDx
Classification: Benign. Last evaluated: 2019-08-10. Review status: criteria provided, single submitter. Criteria: GeneDx Variant Classification Process June 2021. Collection method: clinical testing. Allele origin: germline. Affected: yes.

Ambry Genetics
Classification: Likely benign for Cardiovascular phenotype. Last evaluated: 2015-09-03. Review status: criteria provided, single submitter. Criteria: Ambry Variant Classification Scheme 2023. Collection method: clinical testing. Allele origin: germline.

Institute of Human Genetics, University of Wuerzburg
Classification: Benign for Hypertrophic cardiomyopathy 2. Review status: no assertion criteria provided. Collection method: clinical testing. Allele origin: unknown. Affected: yes. Observed: 1 variant allele. Not counted in ClinVar's aggregate classification.

NM_005159.5(ACTC1):c.809-58TG[14]

Genes: ACTC1 (actin alpha cardiac muscle 1; minus strand), GJD2-DT (GJD2 divergent transcript; plus strand). Cytogenetic location: 15q14.
Variant type: Microsatellite.
Coding change: c.809-58TG[14] on transcript NM_005159.5 (MANE Select); 14 copies in a row of the 2-base unit TG starting at c.809-58; the reference has 23 copies in a row; nine copies, 18 bases deleted.
Molecular consequence: intron variant.
Genome position (GRCh38, 1-based): chr15:34,791,308-34,791,325, CACACACACACACACACA deleted on the plus strand (TGTGTGTGTGTGTGTGTG on the coding strand, the reverse complement: ACTC1 is on the minus strand); deleting any 18 consecutive bases within chr15:34,791,308-34,791,353 gives the same sequence; the position shown is the placement nearest the transcript's 3' end. VCF-style (leftmost placement, unchanged base first): chr15-34791307-TCACACACACACACACACA-T. GRCh37 (hg19) VCF-style: chr15-35083508-TCACACACACACACACACA-T.
Other names: c.809-30_809-13del18 (NM_005159.4).
Identifiers: ClinVar variation 928599 (VCV000928599.13), dbSNP rs59431308, ClinGen allele CA268661158.